The following is an entry in ClinVar:

ClinVar aggregate classification (germline): Uncertain significance. Review status: criteria provided, multiple submitters, no conflicts (2 of 4 stars). 3 submissions from 3 submitters: Uncertain significance (3). Last evaluated 2025-12-15.

Conditions:
Hereditary cancer-predisposing syndrome. Also called: Hereditary Cancer Syndrome; Neoplastic Syndromes, Hereditary; Tumor predisposition; Hereditary neoplastic syndrome. Identifiers: Orphanet 140162, MedGen C0027672, MeSH D009386, MONDO:0015356.
Rhabdoid tumor predisposition syndrome 2 (RTPS2). Identifiers: Orphanet 231108, Orphanet 69077, MedGen C2750074, MONDO:0013224, OMIM 613325.
Intellectual disability, autosomal dominant 16 (CSS4). Also called: COFFIN-SIRIS SYNDROME 4. Identifiers: Orphanet 1465, MedGen C3553249, MONDO:0013821, OMIM 614609.

Allele frequency attached by ClinVar (database versions not stated): gnomAD exomes below 0.00001; TOPMed below 0.00001.
gnomAD v4.1: 2 of 1,599,628 alleles (0.00013%); highest among the groups gnomAD compares: Non-Finnish European, 0.00017%; no homozygotes.

Submissions (3):

Labcorp Genetics (formerly Invitae), Labcorp
Classification: Uncertain significance for Rhabdoid tumor predisposition syndrome 2. Last evaluated: 2025-12-15. Review status: criteria provided, single submitter. Criteria: Invitae Variant Classification Sherloc (09022015). Collection method: clinical testing. Allele origin: germline.
Comment: This sequence change replaces proline, which is neutral and non-polar, with serine, which is neutral and polar, at codon 319 of the SMARCA4 protein (p.Pro319Ser). This variant is not present in population databases (gnomAD no frequency). This variant has not been reported in the literature in individuals affected with SMARCA4-related conditions. ClinVar contains an entry for this variant (Variation ID: 480553). Invitae Evidence Modeling of protein sequence and biophysical properties (such as structural, functional, and spatial information, amino acid conservation, physicochemical variation, residue mobility, and thermodynamic stability) indicates that this missense variant is not expected to disrupt SMARCA4 protein function with a negative predictive value of 80%. In summary, the available evidence is currently insufficient to determine the role of this variant in disease. Therefore, it has been classified as a Variant of Uncertain Significance.

Ambry Genetics
Classification: Uncertain significance for Hereditary cancer-predisposing syndrome. Last evaluated: 2025-01-14. Review status: criteria provided, single submitter. Criteria: Ambry Variant Classification Scheme 2023. Collection method: clinical testing. Allele origin: germline.
Comment: The p.P319S variant (also known as c.955C>T), located in coding exon 5 of the SMARCA4 gene, results from a C to T substitution at nucleotide position 955. The proline at codon 319 is replaced by serine, an amino acid with similar properties. This amino acid position is well conserved in available vertebrate species. In addition, the in silico prediction for this alteration is inconclusive. Based on the available evidence, the clinical significance of this variant remains unclear.

Genome-Nilou Lab
Classification: Uncertain significance for Intellectual disability, autosomal dominant 16. Last evaluated: 2021-07-15. Review status: criteria provided, single submitter. Criteria: ACMG Guidelines, 2015. Collection method: clinical testing. Allele origin: germline. Affected: no.

NM_003072.5(SMARCA4):c.955C>T (p.Pro319Ser)

Gene: SMARCA4 (SWI/SNF related BAF chromatin remodeling complex subunit ATPase 4; plus strand). Cytogenetic location: 19p13.2.
Variant type: single nucleotide variant.
Coding change: c.955C>T on transcript NM_003072.5 (MANE Select); coding-DNA position 955, C replaced by T.
Protein change: p.Pro319Ser; replaces proline 319 with serine.
Molecular consequence: missense variant. On other transcripts: non-coding transcript variant (1).
Genome position (GRCh38, 1-based): chr19:10,987,761, C>T. VCF-style: chr19-10987761-C-T. GRCh37 (hg19) VCF-style: chr19-11098437-C-T.
Other names: c.955C>T, p.Pro319Ser (NM_001128844.3, NM_001128845.2, NM_001128846.2 and 5 more transcripts); short protein forms P319S.
Identifiers: ClinVar variation 480553 (VCV000480553.16), dbSNP rs1555755005, ClinGen allele CA404058522.